The following is an entry in ClinVar:

ClinVar aggregate classification (germline): Conflicting classifications of pathogenicity. Review status: criteria provided, conflicting classifications (1 of 4 stars). 3 submissions from 3 submitters: Uncertain significance (2); Likely benign (1). Last evaluated 2024-08-29.

Conditions:
Hereditary cancer-predisposing syndrome. Also called: Neoplastic Syndromes, Hereditary; Hereditary Cancer Syndrome; Tumor predisposition; Hereditary neoplastic syndrome. Identifiers: Orphanet 140162, MedGen C0027672, MeSH D009386, MONDO:0015356.
Rhabdoid tumor predisposition syndrome 2 (RTPS2). Identifiers: Orphanet 231108, Orphanet 69077, MedGen C2750074, MONDO:0013224, OMIM 613325.

Submissions (3):

Ambry Genetics
Classification: Likely benign for Hereditary cancer-predisposing syndrome. Last evaluated: 2024-08-29. Review status: criteria provided, single submitter. Criteria: Ambry Variant Classification Scheme 2023. Collection method: clinical testing. Allele origin: germline.

Baylor Genetics
Classification: Uncertain significance for Rhabdoid tumor predisposition syndrome 2. Last evaluated: 2023-05-19. Review status: criteria provided, single submitter. Criteria: ACMG Guidelines, 2015. Collection method: clinical testing. Allele origin: unknown.

Labcorp Genetics (formerly Invitae), Labcorp
Classification: Uncertain significance for Rhabdoid tumor predisposition syndrome 2. Last evaluated: 2022-12-14. Review status: criteria provided, single submitter. Criteria: Invitae Variant Classification Sherloc (09022015). Collection method: clinical testing. Allele origin: germline.
Comment: This sequence change affects codon 321 of the SMARCA4 mRNA. It is a 'silent' change, meaning that it does not change the encoded amino acid sequence of the SMARCA4 protein. In summary, the available evidence is currently insufficient to determine the role of this variant in disease. Therefore, it has been classified as a Variant of Uncertain Significance. Algorithms developed to predict the effect of sequence changes on RNA splicing suggest that this variant may create or strengthen a splice site. ClinVar contains an entry for this variant (Variation ID: 1379667). This variant has not been reported in the literature in individuals affected with SMARCA4-related conditions. This variant is not present in population databases (gnomAD no frequency).

NM_003072.5(SMARCA4):c.963C>A (p.Ala321=)

Gene: SMARCA4 (SWI/SNF related BAF chromatin remodeling complex subunit ATPase 4; plus strand). Cytogenetic location: 19p13.2.
Variant type: single nucleotide variant.
Coding change: c.963C>A on transcript NM_003072.5 (MANE Select); coding-DNA position 963, C replaced by A.
Protein change: p.Ala321=; no amino-acid change (alanine 321 retained).
Molecular consequence: synonymous variant. On other transcripts: non-coding transcript variant (1).
Genome position (GRCh38, 1-based): chr19:10,987,769, C>A. VCF-style: chr19-10987769-C-A. GRCh37 (hg19) VCF-style: chr19-11098445-C-A.
Other names: c.963C>A (NM_001128849.1); c.963C>A, p.Ala321= (NM_001128844.3, NM_001128845.2, NM_001128846.2 and 5 more transcripts).
Identifiers: ClinVar variation 1379667 (VCV001379667.11), dbSNP rs371214843, ClinGen allele CA505489674.
Genomic context (GRCh38, chr19:10,987,769, plus strand): 5'-GCTGATTCCCCCGCAGCCAACGGGCCGCCCTTCCCCCGCGCCCCCTGCCGTCCCACCCGC[C>A]GCCTCGCCCGTGATGCCACCGCAGACCCAGTCCCCCGGGCAGCCGGCCCAGCCCGCGCCC-3'
Protein context (NP_003063.2, residues 311-331): PSPAPPAVPP[Ala321=]ASPVMPPQTQ